The following is an entry in ClinVar:

NM_002880.4(RAF1):c.1157A>G (p.Gln386Arg)

Gene: RAF1 (Raf-1 proto-oncogene, serine/threonine kinase; minus strand). Cytogenetic location: 3p25.2.
Variant type: single nucleotide variant.
Coding change: c.1157A>G on transcript NM_002880.4 (MANE Select); coding-DNA position 1157, A replaced by G.
Protein change: p.Gln386Arg; replaces glutamine 386 with arginine.
Molecular consequence: missense variant. On other transcripts: non-coding transcript variant (3).
Genome position (GRCh38, 1-based): chr3:12,591,744, T>C on the plus strand (A>G on the coding strand, the complement: RAF1 is on the minus strand). VCF-style: chr3-12591744-T-C. GRCh37 (hg19) VCF-style: chr3-12633243-T-C.
Other names: c.1217A>G, p.Gln406Arg (NM_001354689.3); c.1157A>G, p.Gln386Arg (NM_001354690.3); c.914A>G, p.Gln305Arg (NM_001354691.3, NM_001354692.3); c.1058A>G, p.Gln353Arg (NM_001354693.3); c.974A>G, p.Gln325Arg (NM_001354694.3); c.815A>G, p.Gln272Arg (NM_001354695.3); short protein forms Q272R, Q305R, Q325R, Q353R, Q386R, Q406R.
Identifiers: ClinVar variation 4862955 (VCV004862955.1).

ClinVar aggregate classification (germline): Uncertain significance (1 of 4 stars; one submission).

Conditions:
Cardiovascular phenotype. Identifiers: MedGen CN230736.

Submission:

Ambry Genetics
Classification: Uncertain significance for Cardiovascular phenotype. Last evaluated: 2026-05-28. Review status: criteria provided, single submitter. Criteria: Ambry Variant Classification Scheme 2023. Collection method: clinical testing. Allele origin: germline.
Comment: The p.Q386R variant (also known as c.1157A>G), located in coding exon 10 of the RAF1 gene, results from an A to G substitution at nucleotide position 1157. The glutamine at codon 386 is replaced by arginine, an amino acid with highly similar properties. This amino acid position is conserved. In addition, this alteration is predicted to be deleterious by in silico analysis. Based on the available evidence, the clinical significance of this variant remains unclear.